The following is an entry in ClinVar:

ClinVar aggregate classification (germline): Uncertain significance (1 of 4 stars; one submission).

Allele frequency attached by ClinVar (database versions not stated): gnomAD exomes below 0.00001.
gnomAD v4.1: 2 of 1,578,544 alleles (0.00013%); highest among the groups gnomAD compares: Non-Finnish European, 0.00017%; no homozygotes.

Submission:

Ambry Genetics
Classification: Uncertain significance. Last evaluated: 2022-07-02. Review status: criteria provided, single submitter. Criteria: Ambry Variant Classification Scheme 2023. Collection method: clinical testing. Allele origin: germline.
Comment: The p.S112L variant (also known as c.335C>T), located in coding exon 1 of the GALNT12 gene, results from a C to T substitution at nucleotide position 335. The serine at codon 112 is replaced by leucine, an amino acid with dissimilar properties. This amino acid position is conserved. In addition, the in silico prediction for this alteration is inconclusive. Since supporting evidence is limited at this time, the clinical significance of this alteration remains unclear.

NM_024642.5(GALNT12):c.335C>T (p.Ser112Leu)

Gene: GALNT12 (polypeptide N-acetylgalactosaminyltransferase 12; plus strand). Cytogenetic location: 9q22.33.
Variant type: single nucleotide variant.
Coding change: c.335C>T on transcript NM_024642.5 (MANE Select); coding-DNA position 335, C replaced by T.
Protein change: p.Ser112Leu; replaces serine 112 with leucine.
Molecular consequence: missense variant.
Genome position (GRCh38, 1-based): chr9:98,808,033, C>T. VCF-style: chr9-98808033-C-T. GRCh37 (hg19) VCF-style: chr9-101570315-C-T.
Other names: short protein forms S112L.
Identifiers: ClinVar variation 1730591 (VCV001730591.2), dbSNP rs2490456332, ClinGen allele CA374223029.